The following is an entry in ClinVar:

ClinVar aggregate classification (germline): Uncertain significance (1 of 4 stars; one submission).

Allele frequency attached by ClinVar (database versions not stated): ExAC 0.00008; ESP Exome Variant Server 0.00023.
gnomAD v4.1: 122 of 1,614,010 alleles (0.0076%); highest among the groups gnomAD compares: African/African-American, 0.019%; no homozygotes.

Submission:

Labcorp Genetics (formerly Invitae), Labcorp
Classification: Uncertain significance. Last evaluated: 2024-02-26. Review status: criteria provided, single submitter. Criteria: Invitae Variant Classification Sherloc (09022015). Collection method: clinical testing. Allele origin: germline.
Comment: This sequence change replaces alanine, which is neutral and non-polar, with threonine, which is neutral and polar, at codon 22 of the SLC34A2 protein (p.Ala22Thr). The frequency data for this variant in the population databases is considered unreliable, as metrics indicate poor data quality at this position in the gnomAD database. This variant has not been reported in the literature in individuals affected with SLC34A2-related conditions. ClinVar contains an entry for this variant (Variation ID: 2033163). Algorithms developed to predict the effect of missense changes on protein structure and function output the following: SIFT: "Not Available"; PolyPhen-2: "Benign"; Align-GVGD: "Not Available". The threonine amino acid residue is found in multiple mammalian species, which suggests that this missense change does not adversely affect protein function. In summary, the available evidence is currently insufficient to determine the role of this variant in disease. Therefore, it has been classified as a Variant of Uncertain Significance.

NM_006424.3(SLC34A2):c.64G>A (p.Ala22Thr)

Gene: SLC34A2 (solute carrier family 34 member 2; plus strand). Cytogenetic location: 4p15.2.
Variant type: single nucleotide variant.
Coding change: c.64G>A on transcript NM_006424.3 (MANE Select); coding-DNA position 64, G replaced by A.
Protein change: p.Ala22Thr; replaces alanine 22 with threonine.
Molecular consequence: missense variant.
Genome position (GRCh38, 1-based): chr4:25,662,564, G>A. VCF-style: chr4-25662564-G-A. GRCh37 (hg19) VCF-style: chr4-25664186-G-A.
Other names: c.64G>A, p.Ala22Thr (NM_001177998.2, NM_001177999.2); short protein forms A22T.
Identifiers: ClinVar variation 2033163 (VCV002033163.4), dbSNP rs138461251, ClinGen allele CA2879319.